The following is an entry in ClinVar:

ClinVar aggregate classification (germline): Uncertain significance (1 of 4 stars; one submission).

Submission:

GeneDx
Classification: Uncertain significance. Last evaluated: 2025-12-19. Review status: criteria provided, single submitter. Criteria: GeneDx Variant Classification Process June 2021. Collection method: clinical testing. Allele origin: germline.
Comment: Not observed at significant frequency in large population cohorts (gnomAD); In silico analysis supports a deleterious effect on splicing; Has not been previously published as pathogenic or benign to our knowledge

NM_207037.2(TCF12):c.526+5G>C

Gene: TCF12 (transcription factor 12; plus strand). Cytogenetic location: 15q21.3.
Variant type: single nucleotide variant.
Coding change: c.526+5G>C on transcript NM_207037.2 (MANE Select); 5 bases into the intron after coding-DNA position 526, G replaced by C.
Molecular consequence: intron variant.
Genome position (GRCh38, 1-based): chr15:57,192,298, G>C. VCF-style: chr15-57192298-G-C. GRCh37 (hg19) VCF-style: chr15-57484496-G-C.
Other names: c.526+5G>C (NM_001322151.2, NM_001322159.3, NM_001322157.3 and 7 more transcripts); c.352+5G>C (NM_001322156.2, NM_001322158.2); c.-132+5G>C (NM_001322154.2); c.562+5G>C (NM_001322164.2).
Identifiers: ClinVar variation 3365603 (VCV003365603.2).